The following is an entry in ClinVar:

ClinVar aggregate classification (germline): Uncertain significance (1 of 4 stars; one submission).

Conditions:
Pheochromocytoma/paraganglioma syndrome 5. Also called: Paragangliomas 5; SDHA-Related Hereditary Paraganglioma-Pheochromocytoma Syndrome. Identifiers: Orphanet 29072, MedGen C3279992, MONDO:0013602, OMIM 614165.
Mitochondrial complex II deficiency, nuclear type 1. Also called: SUCCINATE CoQ REDUCTASE DEFICIENCY. Identifiers: Orphanet 3208, MedGen C5700310, MONDO:0100294, OMIM 252011.

Allele frequency attached by ClinVar (database versions not stated): gnomAD exomes below 0.00001.
gnomAD v4.1: 1 of 1,612,732 alleles (0.000062%); highest among the groups gnomAD compares: East Asian, 0.0022%; no homozygotes.

Submission:

Labcorp Genetics (formerly Invitae), Labcorp
Classification: Uncertain significance for Pheochromocytoma/paraganglioma syndrome 5; Mitochondrial complex II deficiency, nuclear type 1. Last evaluated: 2018-09-27. Review status: criteria provided, single submitter. Criteria: Invitae Variant Classification Sherloc (09022015). Collection method: clinical testing. Allele origin: germline.
Comment: This sequence change replaces histidine with arginine at codon 99 of the SDHA protein (p.His99Arg). The histidine residue is highly conserved and there is a small physicochemical difference between histidine and arginine. This variant is not present in population databases (ExAC no frequency). This variant has been observed in an individual affected with jugular paraganglioma (PMID: 28384794). Algorithms developed to predict the effect of missense changes on protein structure and function (SIFT, PolyPhen-2, Align-GVGD) all suggest that this variant is likely to be disruptive, but these predictions have not been confirmed by published functional studies and their clinical significance is uncertain. In summary, the available evidence is currently insufficient to determine the role of this variant in disease. Therefore, it has been classified as a Variant of Uncertain Significance.

Literature cited by the submitters: PubMed 28384794.

NM_004168.4(SDHA):c.296A>G (p.His99Arg)

Gene: SDHA (succinate dehydrogenase complex flavoprotein subunit A; plus strand). Cytogenetic location: 5p15.33.
Variant type: single nucleotide variant.
Coding change: c.296A>G on transcript NM_004168.4 (MANE Select); coding-DNA position 296, A replaced by G.
Protein change: p.His99Arg; replaces histidine 99 with arginine.
Molecular consequence: missense variant.
Genome position (GRCh38, 1-based): chr5:224,505, A>G. VCF-style: chr5-224505-A-G. GRCh37 (hg19) VCF-style: chr5-224620-A-G.
Other names: c.296A>G, p.His99Arg (NM_001294332.2, NM_001330758.2); short protein forms H99R.
Identifiers: ClinVar variation 644868 (VCV000644868.9), dbSNP rs1579381882, ClinGen allele CA359008664.
Genomic context (GRCh38, chr5:224,505, plus strand): 5'-GCCTTTCTGAGGCAGGGTTTAATACAGCATGTGTTACCAAGCTGTTTCCTACCAGGTCAC[A>G]CACTGTTGCAGCACAGGTAAGAGAAAGGTGCCCCACTGTGCTCCCACTCCGTGCAGGTCC-3'
Protein context (NP_004159.2, residues 89-109): CVTKLFPTRS[His99Arg]TVAAQGGINA